The following is an entry in ClinVar:

NM_000112.4(SLC26A2):c.*1631C>T

Gene: SLC26A2 (solute carrier family 26 member 2; plus strand). Cytogenetic location: 5q32.
Variant type: single nucleotide variant.
Coding change: c.*1631C>T on transcript NM_000112.4 (MANE Select); 1631 bases downstream of the stop codon, C replaced by T.
Molecular consequence: 3 prime UTR variant.
Genome position (GRCh38, 1-based): chr5:149,983,444, C>T. VCF-style: chr5-149983444-C-T. GRCh37 (hg19) VCF-style: chr5-149363007-C-T.
Identifiers: ClinVar variation 352053 (VCV000352053.5), dbSNP rs7717795, ClinGen allele CA10620838.

ClinVar aggregate classification (germline): Benign. Review status: criteria provided, single submitter (1 of 4 stars). 5 submissions from 1 submitter: Benign (5). Last evaluated 2018-01-12.

Conditions:
Sulfate transporter-related osteochondrodysplasia. Also called: DTDST-related dysplasias. Identifiers: MedGen CN120497. Disease mechanism: loss of function.
Achondrogenesis, type IB (ACG1B). Also called: Achondrogenesis Type 1B. Identifiers: Orphanet 932, Orphanet 93298, MedGen C0265274, MONDO:0010966, OMIM 600972.
Atelosteogenesis type II (AO2). Also called: NEONATAL OSSEOUS DYSPLASIA I; Neonatal osseous dysplasia 1; SLC26A2-Related Atelosteogenesis. Identifiers: Orphanet 56304, MedGen C1850554, MONDO:0009727, OMIM 256050.
Multiple epiphyseal dysplasia type 4 (EDM4). Also called: MULTIPLE EPIPHYSEAL DYSPLASIA WITH BILAYERED PATELLAE; MULTIPLE EPIPHYSEAL DYSPLASIA WITH CLUBFOOT; MULTIPLE EPIPHYSEAL DYSPLASIA, AUTOSOMAL RECESSIVE; SLC26A2-Related Multiple Epiphyseal Dysplasia; Multiple Epiphyseal Dysplasia, Recessive. Identifiers: Orphanet 93307, MedGen C1847593, MONDO:0009189, OMIM 226900.
Diastrophic dysplasia (DTD). Also called: Diastrophic dwarfism. Identifiers: Orphanet 628, MedGen C0220726, MONDO:0009107, OMIM 222600.

Allele frequency attached by ClinVar (database versions not stated): gnomAD 0.02840 and 0.03068; 1000 Genomes Project 0.03035; TOPMed 0.03242; 1000 Genomes Project 30x 0.03482.

Submissions (5):

Illumina Laboratory Services, Illumina
Classification: Benign for Osteochondrodysplasia. Last evaluated: 2018-01-12. Review status: criteria provided, single submitter. Criteria: ICSL Variant Classification Criteria 13 December 2019. Collection method: clinical testing. Allele origin: germline.
Comment: This variant was observed in the ICSL laboratory as part of a predisposition screen in an ostensibly healthy population. It had not been previously curated by ICSL or reported in the Human Gene Mutation Database (HGMD: prior to June 1st, 2018), and was therefore a candidate for classification through an automated scoring system. Utilizing variant allele frequency, disease prevalence and penetrance estimates, and inheritance mode, an automated score was calculated to assess if this variant is too frequent to cause the disease. Based on the score and internal cut-off values, a variant classified as benign is not then subjected to further curation. The score for this variant resulted in a classification of benign for this disease.

Illumina Laboratory Services, Illumina
Classification: Benign for Achondrogenesis, type IB. Last evaluated: 2018-01-12. Review status: criteria provided, single submitter. Criteria: ICSL Variant Classification Criteria 13 December 2019. Collection method: clinical testing. Allele origin: germline.
Comment: the same text as in the submission from Illumina Laboratory Services, Illumina above.

Illumina Laboratory Services, Illumina
Classification: Benign for Atelosteogenesis type II. Last evaluated: 2018-01-12. Review status: criteria provided, single submitter. Criteria: ICSL Variant Classification Criteria 13 December 2019. Collection method: clinical testing. Allele origin: germline.
Comment: the same text as in the submission from Illumina Laboratory Services, Illumina above.

Illumina Laboratory Services, Illumina
Classification: Benign for Diastrophic dysplasia. Last evaluated: 2018-01-12. Review status: criteria provided, single submitter. Criteria: ICSL Variant Classification Criteria 13 December 2019. Collection method: clinical testing. Allele origin: germline.
Comment: the same text as in the submission from Illumina Laboratory Services, Illumina above.

Illumina Laboratory Services, Illumina
Classification: Benign for Multiple epiphyseal dysplasia type 4. Last evaluated: 2018-01-12. Review status: criteria provided, single submitter. Criteria: ICSL Variant Classification Criteria 13 December 2019. Collection method: clinical testing. Allele origin: germline.
Comment: the same text as in the submission from Illumina Laboratory Services, Illumina above.